The following is an entry in ClinVar:

NM_007294.4(BRCA1):c.*3G>T

Gene: BRCA1 (BRCA1 DNA repair associated; minus strand). Cytogenetic location: 17q21.31.
Variant type: single nucleotide variant.
Coding change: c.*3G>T on transcript NM_007294.4 (MANE Select); 3 bases downstream of the stop codon, G replaced by T.
Molecular consequence: 3 prime UTR variant. On other transcripts: non-coding transcript variant (1).
Genome position (GRCh38, 1-based): chr17:43,045,675, C>A on the plus strand (G>T on the coding strand, the complement: BRCA1 is on the minus strand). VCF-style: chr17-43045675-C-A. GRCh37 (hg19) VCF-style: chr17-41197692-C-A.
Other names: c.*3G>T (NM_001407571.1, NM_001407581.1, NM_001407582.1 and 348 more transcripts); c.*109G>T (NM_001407854.1, NM_001407858.1, NM_001407859.1 and 14 more transcripts).
Identifiers: ClinVar variation 383136 (VCV000383136.2), dbSNP rs1057521525, ClinGen allele CA16608428.

ClinVar aggregate classification (germline): Likely benign (1 of 4 stars; one submission).

Submission:

GeneDx
Classification: Likely benign. Last evaluated: 2016-01-13. Review status: criteria provided, single submitter. Criteria: GeneDx Variant Classification (06012015). Collection method: clinical testing. Allele origin: germline. Affected: yes.
Comment: This variant is considered likely benign or benign based on one or more of the following criteria: it is a conservative change, it occurs at a poorly conserved position in the protein, it is predicted to be benign by multiple in silico algorithms, and/or has population frequency not consistent with disease.